The following is an entry in ClinVar:

NM_001111.5(ADAR):c.3238A>C (p.Ile1080Leu)

Gene: ADAR (adenosine deaminase RNA specific; minus strand). Cytogenetic location: 1q21.3.
Variant type: single nucleotide variant.
Coding change: c.3238A>C on transcript NM_001111.5 (MANE Select); coding-DNA position 3238, A replaced by C.
Protein change: p.Ile1080Leu; replaces isoleucine 1080 with leucine.
Molecular consequence: missense variant.
Genome position (GRCh38, 1-based): chr1:154,585,830, T>G on the plus strand (A>C on the coding strand, the complement: ADAR is on the minus strand). VCF-style: chr1-154585830-T-G. GRCh37 (hg19) VCF-style: chr1-154558306-T-G.
Other names: c.2353A>C, p.Ile785Leu (NM_001025107.3, NM_001193495.2, NM_001365046.1 and 2 more transcripts); c.3265A>C, p.Ile1089Leu (NM_001365045.1); c.2275A>C, p.Ile759Leu (NM_001365049.1); c.3160A>C, p.Ile1054Leu (NM_015840.4); c.3103A>C, p.Ile1035Leu (NM_015841.4); short protein forms I1089L, I1054L, I759L, I1035L, I1080L, I785L.
Identifiers: ClinVar variation 4791658 (VCV004791658.1).

ClinVar aggregate classification (germline): Uncertain significance (1 of 4 stars; one submission).

Conditions:
Aicardi-Goutieres syndrome 6 (AGS6). Identifiers: Orphanet 51, MedGen C3539013, MONDO:0014007, OMIM 615010.
Symmetrical dyschromatosis of extremities (DSH). Also called: DYSCHROMATOSIS SYMMETRICA HEREDITARIA 1; RETICULATE ACROPIGMENTATION OF DOHI; SYMMETRIC DYSCHROMATOSIS OF THE EXTREMITIES; Dyschromatosis symmetrica hereditaria. Identifiers: Orphanet 41, MedGen C0406775, MONDO:0007483, OMIM 127400.

gnomAD v4.1: 2 of 1,613,978 alleles (0.00012%); highest among the groups gnomAD compares: Non-Finnish European, 0.00017%; no homozygotes.

Submission:

Labcorp Genetics (formerly Invitae), Labcorp
Classification: Uncertain significance for Aicardi-Goutieres syndrome 6; Symmetrical dyschromatosis of extremities. Last evaluated: 2025-08-11. Review status: criteria provided, single submitter. Criteria: Invitae Variant Classification Sherloc (09022015). Collection method: clinical testing. Allele origin: germline.
Comment: This sequence change replaces isoleucine, which is neutral and non-polar, with leucine, which is neutral and non-polar, at codon 1080 of the ADAR protein (p.Ile1080Leu). This variant is not present in population databases (gnomAD no frequency). This variant has not been reported in the literature in individuals affected with ADAR-related conditions. Invitae Evidence Modeling of protein sequence and biophysical properties (such as structural, functional, and spatial information, amino acid conservation, physicochemical variation, residue mobility, and thermodynamic stability) indicates that this missense variant is not expected to disrupt ADAR protein function with a negative predictive value of 80%. In summary, the available evidence is currently insufficient to determine the role of this variant in disease. Therefore, it has been classified as a Variant of Uncertain Significance.